The following is an entry in ClinVar:

NM_001457.4(FLNB):c.4738T>A (p.Tyr1580Asn)

Gene: FLNB (filamin B; plus strand). Cytogenetic location: 3p14.3.
Variant type: single nucleotide variant.
Coding change: c.4738T>A on transcript NM_001457.4 (MANE Select); coding-DNA position 4738, T replaced by A.
Protein change: p.Tyr1580Asn; replaces tyrosine 1580 with asparagine.
Molecular consequence: missense variant.
Genome position (GRCh38, 1-based): chr3:58,136,045, T>A. VCF-style: chr3-58136045-T-A. GRCh37 (hg19) VCF-style: chr3-58121772-T-A.
Other names: c.4831T>A, p.Tyr1611Asn (NM_001164317.2); c.4738T>A, p.Tyr1580Asn (NM_001164318.2, NM_001164319.2); short protein forms Y1580N, Y1611N.
Identifiers: ClinVar variation 4871451 (VCV004871451.1).

ClinVar aggregate classification (germline): Uncertain significance (1 of 4 stars; one submission).

Conditions:
Inborn genetic diseases. Identifiers: MedGen C0950123, MeSH D030342.

Submission:

Ambry Genetics
Classification: Uncertain significance for Inborn genetic diseases. Last evaluated: 2026-05-12. Review status: criteria provided, single submitter. Criteria: Ambry Variant Classification Scheme 2023. Collection method: clinical testing. Allele origin: germline.
Comment: The c.4738T>A (p.Y1580N) alteration is located in exon 28 (coding exon 28) of the FLNB gene. This alteration results from a T to A substitution at nucleotide position 4738, causing the tyrosine (Y) at amino acid position 1580 to be replaced by an asparagine (N). This variant was not reported in population-based cohorts in the Genome Aggregation Database (gnomAD). This amino acid position is highly conserved in available vertebrate species. This alteration is predicted to be deleterious by in silico analysis. Based on insufficient or conflicting evidence, the clinical significance of this alteration remains unclear.